The following is an entry in ClinVar:

NM_000455.5(STK11):c.-311C>T

Gene: STK11 (serine/threonine kinase 11; plus strand). Cytogenetic location: 19p13.3.
Variant type: single nucleotide variant.
Coding change: c.-311C>T on transcript NM_000455.5 (MANE Select); 311 bases upstream of the start codon, C replaced by T.
Molecular consequence: 5 prime UTR variant.
Genome position (GRCh38, 1-based): chr19:1,206,603, C>T. VCF-style: chr19-1206603-C-T. GRCh37 (hg19) VCF-style: chr19-1206602-C-T.
Identifiers: ClinVar variation 328217 (VCV000328217.15), dbSNP rs149756065, ClinGen allele CA10642279.
Genomic context (GRCh38, chr19:1,206,603, plus strand): 5'-ATGACCTAGCACTGAAAAGCCCCGGCCGGCCTCCCCAGGGTCCCCGAGGACGAAGTTGAC[C>T]CTGACCGGGCCGTCTCCCAGTTCTGAGGCCCGGGTCCCACTGGAACTCGCGTCTGAGCCG-3'

ClinVar aggregate classification (germline): Benign/Likely benign. Review status: criteria provided, multiple submitters, no conflicts (2 of 4 stars). 3 submissions from 3 submitters: Benign (2); Likely benign (1). Last evaluated 2026-09-01.

Conditions:
Peutz-Jeghers syndrome (PJS). Also called: Peutz-Jeghers polyposis; Periorificial lentiginosis syndrome; POLYPOSIS, HAMARTOMATOUS INTESTINAL; POLYPS-AND-SPOTS SYNDROME. Identifiers: Orphanet 2869, MedGen C0031269, MeSH D010580, MONDO:0008280, OMIM 175200.

Allele frequency attached by ClinVar (database versions not stated): 1000 Genomes Project 0.00379; 1000 Genomes Project 30x 0.00437; TOPMed 0.01045; gnomAD 0.01232 and 0.01265; gnomAD exomes 0.01382.
gnomAD v4.1: 6,118 of 463,480 alleles (1.3%); highest among the groups gnomAD compares: Non-Finnish European, 1.9%; 74 homozygotes.

Submissions (3):

CeGaT Center for Human Genetics Tuebingen
Classification: Benign. Last evaluated: 2026-09-01. Review status: criteria provided, single submitter. Criteria: CeGaT Center For Human Genetics Tuebingen Variant Classification Criteria Version 2. Collection method: clinical testing. Allele origin: germline. Affected: yes. Observed: 41 variant alleles.
Comment: STK11: BS1, BS2

GeneDx
Classification: Likely benign. Last evaluated: 2019-03-06. Review status: criteria provided, single submitter. Criteria: GeneDx Variant Classification Process June 2021. Collection method: clinical testing. Allele origin: germline. Affected: yes.

Illumina Laboratory Services, Illumina
Classification: Benign for Peutz-Jeghers syndrome. Last evaluated: 2018-01-13. Review status: criteria provided, single submitter. Criteria: ICSL Variant Classification Criteria 13 December 2019. Collection method: clinical testing. Allele origin: germline.
Comment: This variant was observed in the ICSL laboratory as part of a predisposition screen in an ostensibly healthy population. It had not been previously curated by ICSL or reported in the Human Gene Mutation Database (HGMD: prior to June 1st, 2018), and was therefore a candidate for classification through an automated scoring system. Utilizing variant allele frequency, disease prevalence and penetrance estimates, and inheritance mode, an automated score was calculated to assess if this variant is too frequent to cause the disease. Based on the score and internal cut-off values, a variant classified as benign is not then subjected to further curation. The score for this variant resulted in a classification of benign for this disease.